The following is an entry in ClinVar:

NM_006379.5(SEMA3C):c.327+9T>G

Gene: SEMA3C (semaphorin 3C; minus strand). Cytogenetic location: 7q21.11.
Variant type: single nucleotide variant.
Coding change: c.327+9T>G on transcript NM_006379.5 (MANE Select); 9 bases into the intron after coding-DNA position 327, T replaced by G.
Molecular consequence: intron variant.
Genome position (GRCh38, 1-based): chr7:80,827,416, A>C on the plus strand (T>G on the coding strand, the complement: SEMA3C is on the minus strand). VCF-style: chr7-80827416-A-C. GRCh37 (hg19) VCF-style: chr7-80456732-A-C.
Other names: c.381+9T>G (NM_001350120.2); c.153+9T>G (NM_001350121.2).
Identifiers: ClinVar variation 3030221 (VCV003030221.2), dbSNP rs1583916169, ClinGen allele CA2683522616.

ClinVar aggregate classification (germline): Likely benign (0 of 4 stars; one submission).

Conditions:
SEMA3C-related disorder. Also called: SEMA3C-related condition.

Submission:

PreventionGenetics, part of Exact Sciences
Classification: Likely benign for SEMA3C-related condition. Last evaluated: 2024-01-02. Review status: no assertion criteria provided. Collection method: clinical testing. Allele origin: germline.
Comment: This variant is classified as likely benign based on ACMG/AMP sequence variant interpretation guidelines (Richards et al. 2015 PMID: 25741868, with internal and published modifications).